The following is an entry in ClinVar:

ClinVar aggregate classification (germline): Uncertain significance (1 of 4 stars; one submission).

Submission:

Ambry Genetics
Classification: Uncertain significance. Last evaluated: 2024-04-27. Review status: criteria provided, single submitter. Criteria: Ambry Variant Classification Scheme 2023. Collection method: clinical testing. Allele origin: germline.
Comment: The p.T17S variant (also known as c.49A>T), located in coding exon 1 of the ALPK2 gene, results from an A to T substitution at nucleotide position 49. The threonine at codon 17 is replaced by serine, an amino acid with similar properties. This amino acid position is conserved. In addition, this alteration is predicted to be tolerated by in silico analysis. Based on the available evidence, the clinical significance of this variant remains unclear.

NM_052947.4(ALPK2):c.49A>T (p.Thr17Ser)

Gene: ALPK2 (alpha kinase 2; minus strand). Cytogenetic location: 18q21.32.
Variant type: single nucleotide variant.
Coding change: c.49A>T on transcript NM_052947.4 (MANE Select); coding-DNA position 49, A replaced by T.
Protein change: p.Thr17Ser; replaces threonine 17 with serine.
Molecular consequence: missense variant.
Genome position (GRCh38, 1-based): chr18:58,611,749, T>A on the plus strand (A>T on the coding strand, the complement: ALPK2 is on the minus strand). VCF-style: chr18-58611749-T-A. GRCh37 (hg19) VCF-style: chr18-56278981-T-A.
Other names: short protein forms T17S.
Identifiers: ClinVar variation 3290230 (VCV003290230.1).